The following is an entry in ClinVar:

ClinVar aggregate classification (germline): Uncertain significance. Review status: criteria provided, multiple submitters, no conflicts (2 of 4 stars). 2 submissions from 2 submitters: Uncertain significance (2). Last evaluated 2025-12-02.

Conditions:
Hereditary spastic paraplegia 62. Also called: Spastic paraplegia 62, autosomal recessive. Identifiers: Orphanet 401785, MedGen C4284588, MONDO:0014302, OMIM 615681.

Allele frequency attached by ClinVar (database versions not stated): gnomAD 0.00001; ExAC 0.00003; gnomAD exomes 0.00003; TOPMed 0.00003; ESP Exome Variant Server 0.00015.
gnomAD v4.1: 43 of 1,613,744 alleles (0.0027%); highest among the groups gnomAD compares: Non-Finnish European, 0.0024%; no homozygotes.

Submissions (2):

Ambry Genetics
Classification: Uncertain significance. Last evaluated: 2025-12-02. Review status: criteria provided, single submitter. Criteria: Ambry Variant Classification Scheme 2023. Collection method: clinical testing. Allele origin: germline.

Labcorp Genetics (formerly Invitae), Labcorp
Classification: Uncertain significance for Hereditary spastic paraplegia 62. Last evaluated: 2021-09-01. Review status: criteria provided, single submitter. Criteria: Invitae Variant Classification Sherloc (09022015). Collection method: clinical testing. Allele origin: germline.
Comment: This sequence change replaces histidine with aspartic acid at codon 26 of the ERLIN1 protein (p.His26Asp). The histidine residue is highly conserved and there is a moderate physicochemical difference between histidine and aspartic acid. This variant is present in population databases (rs370785461, ExAC 0.006%). This variant has not been reported in the literature in individuals affected with ERLIN1-related conditions. Algorithms developed to predict the effect of missense changes on protein structure and function are either unavailable or do not agree on the potential impact of this missense change (SIFT: "Deleterious"; PolyPhen-2: "Probably Damaging"; Align-GVGD: "Class C0"). In summary, the available evidence is currently insufficient to determine the role of this variant in disease. Therefore, it has been classified as a Variant of Uncertain Significance.

NM_006459.4(ERLIN1):c.76C>G (p.His26Asp)

Gene: ERLIN1 (ER lipid raft associated 1; minus strand). Cytogenetic location: 10q24.31.
Variant type: single nucleotide variant.
Coding change: c.76C>G on transcript NM_006459.4 (MANE Select); coding-DNA position 76, C replaced by G.
Protein change: p.His26Asp; replaces histidine 26 with aspartic acid.
Molecular consequence: missense variant. On other transcripts: 5 prime UTR variant (2), non-coding transcript variant (6).
Genome position (GRCh38, 1-based): chr10:100,185,551, G>C on the plus strand (C>G on the coding strand, the complement: ERLIN1 is on the minus strand). VCF-style: chr10-100185551-G-C. GRCh37 (hg19) VCF-style: chr10-101945308-G-C.
Other names: c.76C>G, p.His26Asp (NM_001100626.2, NM_001347857.2, NM_001347859.2 and 2 more transcripts); c.-95C>G (NM_001347856.2); c.-296C>G (NM_001347858.2); c.76C>G (NM_006459.3); short protein forms H26D.
Identifiers: ClinVar variation 1395987 (VCV001395987.6), dbSNP rs370785461, ClinGen allele CA5646186.